The following is an entry in ClinVar:

ClinVar aggregate classification (germline): Uncertain significance. Review status: criteria provided, multiple submitters, no conflicts (2 of 4 stars). 2 submissions from 2 submitters: Uncertain significance (2). Last evaluated 2025-11-03.

Conditions:
Hereditary breast ovarian cancer syndrome. Also called: Hereditary breast and ovarian cancer; Hereditary breast and ovarian cancer syndrome (HBOC); Breast and ovarian cancer; Hereditary breast and/or ovarian cancer syndrome; BRCA1- and BRCA2-Associated Hereditary Breast and Ovarian Cancer; Hereditary breast and ovarian cancer syndrome. Identifiers: Orphanet 145, MedGen C0677776, MeSH D061325, MONDO:0003582. Disease mechanism: loss of function.

Submissions (3):

Labcorp Genetics (formerly Invitae), Labcorp
Classification: Uncertain significance for Hereditary breast ovarian cancer syndrome. Last evaluated: 2025-11-03. Review status: criteria provided, single submitter. Criteria: Invitae Variant Classification Sherloc (09022015). Collection method: clinical testing. Allele origin: germline.
Comment: This sequence change replaces asparagine, which is neutral and polar, with lysine, which is basic and polar, at codon 1819 of the BRCA1 protein (p.Asn1819Lys). This variant is not present in population databases (gnomAD no frequency). This variant has not been reported in the literature in individuals affected with BRCA1-related conditions. ClinVar contains an entry for this variant (Variation ID: 868911). Invitae Evidence Modeling incorporating data from in vitro experimental studies (PMID: 30209399) indicates that this missense variant is not expected to disrupt BRCA1 function with a negative predictive value of 95%. Experimental studies have shown that this missense change does not substantially affect BRCA1 function (PMID: 30209399). In summary, the available evidence is currently insufficient to determine the role of this variant in disease. Therefore, it has been classified as a Variant of Uncertain Significance.

Quest Diagnostics Nichols Institute San Juan Capistrano
Classification: Uncertain significance. Last evaluated: 2025-02-28. Review status: criteria provided, single submitter. Criteria: Quest Diagnostics criteria. Collection method: clinical testing. Allele origin: unknown.
Comment: The BRCA1 c.5457T>A (p.Asn1819Lys) variant has been reported in the published literature in individuals with breast cancer (PMID: 31090900 (2019)). Functional studies demonstrated that this variant had an benign effect on protein function (PMID: 30209399 (2018), 35196514 (2022)). This variant has not been reported in large, multi-ethnic general populations (Genome Aggregation Database). Analysis of this variant using bioinformatics tools for the prediction of the effect of amino acid changes on protein structure and function yielded predictions that this variant is benign. Based on the available information, we are unable to determine the clinical significance of this variant.

Brotman Baty Institute, University of Washington
No classification provided (evidence only). Condition: Breast-ovarian cancer, familial 1. Review status: no classification provided. Collection method: in vitro. Allele origin: not applicable. Functional consequence: functionally_normal. Not counted in ClinVar's aggregate classification.
ClinVar note: "not provided" was previously submitted as the classification for the variant. However, the classification appeared to be based only on an observation of functional data so it was converted to no classification on 2025-07-30.

Literature cited by the submitters: PubMed 30209399 (cited by Labcorp Genetics (formerly Invitae), Labcorp and Quest Diagnostics Nichols Institute San Juan Capistrano); PubMed 35979650 (cited by Quest Diagnostics Nichols Institute San Juan Capistrano); PubMed 31090900 (cited by Quest Diagnostics Nichols Institute San Juan Capistrano); PubMed 35196514 (cited by Quest Diagnostics Nichols Institute San Juan Capistrano).

NM_007294.4(BRCA1):c.5457T>A (p.Asn1819Lys)

Gene: BRCA1 (BRCA1 DNA repair associated; minus strand). Cytogenetic location: 17q21.31.
Variant type: single nucleotide variant.
Coding change: c.5457T>A on transcript NM_007294.4 (MANE Select); coding-DNA position 5457, T replaced by A.
Protein change: p.Asn1819Lys; replaces asparagine 1819 with lysine.
Molecular consequence: missense variant. On other transcripts: non-coding transcript variant (1).
Genome position (GRCh38, 1-based): chr17:43,047,653, A>T on the plus strand (T>A on the coding strand, the complement: BRCA1 is on the minus strand). VCF-style: chr17-43047653-A-T. GRCh37 (hg19) VCF-style: chr17-41199670-A-T.
Other names: c.5316T>A, p.Asn1772Lys (NM_001407727.1, NM_007297.4, NM_001407694.1 and 12 more transcripts); c.5313T>A, p.Asn1771Lys (NM_001407738.1, NM_001407739.1, NM_001407740.1 and 18 more transcripts); c.5310T>A, p.Asn1770Lys (NM_001407843.1, NM_001407844.1, NM_001407845.1 and 12 more transcripts); c.5250T>A, p.Asn1750Lys (NM_001407875.1, NM_001407874.1); c.5247T>A, p.Asn1749Lys (NM_001407879.1, NM_001407881.1, NM_001407882.1 and 5 more transcripts); c.5244T>A, p.Asn1748Lys (NM_001407907.1, NM_001407908.1, NM_001407909.1 and 12 more transcripts); c.5241T>A, p.Asn1747Lys (NM_001407915.1, NM_001407916.1, NM_001407917.1 and 1 more transcripts); c.5205T>A, p.Asn1735Lys (NM_001407919.1); and 83 more; short protein forms N1840K, N715K, W691R, N1772K, N1819K, N1665K, N1707K, N1730K.
Identifiers: ClinVar variation 868911 (VCV000868911.13), dbSNP rs1597799334, ClinGen allele CA10590464.
Genomic context (GRCh38, chr17:43,047,653, plus strand): 5'-AACCCATGCAAAAGGACCCCATATAGCACAGGTACATGCAGGCACCTTACCATGGAAGCC[A>T]TTGTCCTCTGTCCAGGCATCTGGCTGCACAACCACAATTGGGTGGACACCCTGGATCCCC-3'
Protein context (NP_009225.1, residues 1809-1829): VVQPDAWTED[Asn1819Lys]GFHAIGQMCE